The following is an entry in ClinVar:

ClinVar aggregate classification (germline): Uncertain significance (1 of 4 stars; one submission).

Conditions:
ADCY3-related disorder. Also called: ADCY3-related condition.

Submission:

PreventionGenetics, part of Exact Sciences
Classification: Uncertain significance for ADCY3-related condition. Last evaluated: 2025-03-25. Review status: criteria provided, single submitter. Criteria: ACMG Guidelines, 2015. Collection method: clinical testing. Allele origin: germline.
Comment: The ADCY3 c.1643C>T variant is predicted to result in the amino acid substitution p.Pro548Leu. To our knowledge, this variant has not been reported in the literature or in a large population database (gnomAD), indicating this variant is rare. At this time, the clinical significance of this variant is uncertain due to the absence of conclusive functional and genetic evidence.

NM_004036.5(ADCY3):c.1643C>T (p.Pro548Leu)

Gene: ADCY3 (adenylate cyclase 3; minus strand). Cytogenetic location: 2p23.3.
Variant type: single nucleotide variant.
Coding change: c.1643C>T on transcript NM_004036.5 (MANE Select); coding-DNA position 1643, C replaced by T.
Protein change: p.Pro548Leu; replaces proline 548 with leucine.
Molecular consequence: missense variant.
Genome position (GRCh38, 1-based): chr2:24,836,936, G>A on the plus strand (C>T on the coding strand, the complement: ADCY3 is on the minus strand). VCF-style: chr2-24836936-G-A. GRCh37 (hg19) VCF-style: chr2-25059805-G-A.
Other names: c.1643C>T, p.Pro548Leu (NM_001320613.2, NM_001377129.1, NM_001377130.1 and 1 more transcripts); c.1709C>T, p.Pro570Leu (NM_001377128.1); c.920C>T, p.Pro307Leu (NM_001377131.1); short protein forms P307L, P570L, P548L.
Identifiers: ClinVar variation 4984552 (VCV004984552.1).